The following is an entry in ClinVar:

ClinVar aggregate classification (germline): Uncertain significance. Review status: criteria provided, multiple submitters, no conflicts (2 of 4 stars). 2 submissions from 2 submitters: Uncertain significance (2). Last evaluated 2025-08-29.

gnomAD v4.1: 9 of 1,613,966 alleles (0.00056%); highest among the groups gnomAD compares: Non-Finnish European, 0.00076%; no homozygotes.

Submissions (2):

Ambry Genetics
Classification: Uncertain significance. Last evaluated: 2025-08-29. Review status: criteria provided, single submitter. Criteria: Ambry Variant Classification Scheme 2023. Collection method: clinical testing. Allele origin: germline.

GeneDx
Classification: Uncertain significance. Last evaluated: 2024-07-16. Review status: criteria provided, single submitter. Criteria: GeneDx Variant Classification Process June 2021. Collection method: clinical testing. Allele origin: germline. Affected: yes.
Comment: Not observed at significant frequency in large population cohorts (gnomAD); In silico analysis indicates that this missense variant does not alter protein structure/function; Has not been previously published as pathogenic or benign to our knowledge

NM_007215.4(POLG2):c.355G>A (p.Val119Met)

Genes: MILR1 (mast cell immunoglobulin like receptor 1; plus strand), POLG2 (DNA polymerase gamma 2, accessory subunit; minus strand). Cytogenetic location: 17q23.3.
Variant type: single nucleotide variant.
Coding change: c.355G>A on transcript NM_007215.4 (MANE Select); coding-DNA position 355, G replaced by A.
Protein change: p.Val119Met; replaces valine 119 with methionine.
Molecular consequence: missense variant.
Genome position (GRCh38, 1-based): chr17:64,496,614, C>T on the plus strand (G>A on the coding strand, the complement: POLG2 is on the minus strand). VCF-style: chr17-64496614-C-T. GRCh37 (hg19) VCF-style: chr17-62492732-C-T.
Other names: short protein forms V119M.
Identifiers: ClinVar variation 3573736 (VCV003573736.2).